The following is an entry in ClinVar:

NM_033118.4(MYLK2):c.1458T>C (p.Asp486=)

Gene: MYLK2 (myosin light chain kinase 2; plus strand). Cytogenetic location: 20q11.21.
Variant type: single nucleotide variant.
Coding change: c.1458T>C on transcript NM_033118.4 (MANE Select); coding-DNA position 1458, T replaced by C.
Protein change: p.Asp486=; no amino-acid change (aspartic acid 486 retained).
Molecular consequence: synonymous variant.
Genome position (GRCh38, 1-based): chr20:31,831,736, T>C. VCF-style: chr20-31831736-T-C. GRCh37 (hg19) VCF-style: chr20-30419539-T-C.
Identifiers: ClinVar variation 178091 (VCV000178091.29), dbSNP rs111888319, ClinGen allele CA181378.

ClinVar aggregate classification (germline): Benign/Likely benign. Review status: criteria provided, multiple submitters, no conflicts (2 of 4 stars). 11 submissions from 11 submitters: Benign (7); Likely benign (2). 2 of the submissions do not count toward it. Last evaluated 2026-01-28.

Conditions:
Cardiomyopathy (CMYO). Also called: Cardiomyopathies. Identifiers: Orphanet 167848, MedGen C0878544, MONDO:0004994, HP:0001638. Inheritance: Various modes of inheritance.
Hypertrophic cardiomyopathy 1 (CMH1). Also called: Familial hypertrophic cardiomyopathy 1; MYH7-Related Familial Hypertrophic Cardiomyopathy. Identifiers: MedGen C3495498, MONDO:0008647, OMIM 192600.

Allele frequency attached by ClinVar (database versions not stated): gnomAD exomes 0.00016 and 0.00042; ExAC 0.00064; gnomAD 0.00170 and 0.00180; TOPMed 0.00187; ESP Exome Variant Server 0.00215; 1000 Genomes Project 30x 0.00219; 1000 Genomes Project 0.00220.
gnomAD v4.1: 532 of 1,614,078 alleles (0.033%); highest among the groups gnomAD compares: African/African-American, 0.61%; 4 homozygotes.

Submissions (11):

Labcorp Genetics (formerly Invitae), Labcorp
Classification: Benign for Hypertrophic cardiomyopathy 1. Last evaluated: 2026-01-28. Review status: criteria provided, single submitter. Criteria: Invitae Variant Classification Sherloc (09022015). Collection method: clinical testing. Allele origin: germline.

Blueprint Genetics
Classification: Likely benign. Last evaluated: 2024-08-06. Review status: criteria provided, single submitter. Criteria: ACMG Guidelines, 2015. Collection method: clinical testing. Allele origin: germline.

Women's Health and Genetics/Laboratory Corporation of America, LabCorp
Classification: Benign. Last evaluated: 2022-08-15. Review status: criteria provided, single submitter. Criteria: LabCorp Variant Classification Summary - May 2015. Collection method: clinical testing. Allele origin: germline.

Ambry Genetics
Classification: Likely benign. Last evaluated: 2022-05-20. Review status: criteria provided, single submitter. Criteria: Ambry Variant Classification Scheme 2023. Collection method: clinical testing. Allele origin: germline.

ARUP Laboratories, Molecular Genetics and Genomics, ARUP Laboratories
Classification: Benign for Hypertrophic cardiomyopathy 1. Last evaluated: 2021-01-20. Review status: criteria provided, single submitter. Criteria: ARUP Molecular Germline Variant Investigation Process 2021. Collection method: clinical testing. Allele origin: germline.

CHEO Genetics Diagnostic Laboratory, Children's Hospital of Eastern Ontario
Classification: Benign for Cardiomyopathy. Last evaluated: 2017-11-09. Review status: criteria provided, single submitter. Criteria: ACMG Guidelines, 2015. Collection method: clinical testing. Allele origin: germline.

GeneDx
Classification: Benign. Last evaluated: 2015-06-10. Review status: criteria provided, single submitter. Criteria: GeneDx Variant Classification (06012015). Collection method: clinical testing. Allele origin: germline. Affected: yes.
Comment: This variant is considered likely benign or benign based on one or more of the following criteria: it is a conservative change, it occurs at a poorly conserved position in the protein, it is predicted to be benign by multiple in silico algorithms, and/or has population frequency not consistent with disease.

Laboratory for Molecular Medicine, Mass General Brigham Personalized Medicine
Classification: Benign. Last evaluated: 2012-03-19. Review status: criteria provided, single submitter. Criteria: LMM Criteria. Collection method: clinical testing. Allele origin: germline. Observed: 2 variant alleles.
Comment: p.Asp486Asp in Exon 11 of MYLK2: This variant is not expected to have clinical s ignificance because it does not alter an amino acid residue, is not located with in the splice consensus sequence and has been identified in 0.6% (24/3738) of Af rican American chromosomes from a broad population by the NHLBI Exome Sequencing Project (dbSNP rs111888319).

Breakthrough Genomics
Classification: Benign. Review status: criteria provided, single submitter. Criteria: ACMG Guidelines, 2015. Collection method: not provided. Allele origin: germline. Inheritance: Autosomal dominant inheritance. Affected: yes.

Clinical Genetics DNA and cytogenetics Diagnostics Lab, Erasmus MC, Erasmus Medical Center
Classification: Likely benign. Review status: no assertion criteria provided. Collection method: clinical testing. Allele origin: germline. Affected: yes. Study: VKGL Data-share Consensus. Not counted in ClinVar's aggregate classification.

Genome Diagnostics Laboratory, University Medical Center Utrecht
Classification: Likely benign. Review status: no assertion criteria provided. Collection method: clinical testing. Allele origin: germline. Affected: yes. Study: VKGL Data-share Consensus. Not counted in ClinVar's aggregate classification.